The following is an entry in ClinVar:

ClinVar aggregate classification (germline): Likely benign (1 of 4 stars; one submission).

Allele frequency attached by ClinVar (database versions not stated): 1000 Genomes Project 30x 0.00234; 1000 Genomes Project 0.00240; TOPMed 0.00313; gnomAD 0.00328; ESP Exome Variant Server 0.00331; ExAC 0.00355.
gnomAD v4.1: 8,258 of 1,613,062 alleles (0.51%); highest among the groups gnomAD compares: Non-Finnish European, 0.63%; 29 homozygotes.

Submission:

CeGaT Center for Human Genetics Tuebingen
Classification: Likely benign. Last evaluated: 2025-06-01. Review status: criteria provided, single submitter. Criteria: CeGaT Center For Human Genetics Tuebingen Variant Classification Criteria Version 2. Collection method: clinical testing. Allele origin: germline. Affected: yes. Observed: 3 variant alleles.
Comment: SNX17: BP4, BS2

NM_014748.4(SNX17):c.432+8G>A

Gene: SNX17 (sorting nexin 17; plus strand). Cytogenetic location: 2p23.3.
Variant type: single nucleotide variant.
Coding change: c.432+8G>A on transcript NM_014748.4 (MANE Select); 8 bases into the intron after coding-DNA position 432, G replaced by A.
Molecular consequence: intron variant.
Genome position (GRCh38, 1-based): chr2:27,373,979, G>A. VCF-style: chr2-27373979-G-A. GRCh37 (hg19) VCF-style: chr2-27596846-G-A.
Other names: c.396+8G>A (NM_001267059.2); c.357+8G>A (NM_001267060.2); c.372+8G>A (NM_001267061.2).
Identifiers: ClinVar variation 2650767 (VCV002650767.24), dbSNP rs147116539, ClinGen allele CA1577256.